The following is an entry in ClinVar:

NM_001481.3(DRC4):c.597A>G (p.Glu199=)

Gene: DRC4 (dynein regulatory complex subunit 4; plus strand). Cytogenetic location: 16q24.3.
Variant type: single nucleotide variant.
Coding change: c.597A>G on transcript NM_001481.3 (MANE Select); coding-DNA position 597, A replaced by G.
Protein change: p.Glu199=; no amino-acid change (glutamic acid 199 retained).
Molecular consequence: synonymous variant.
Genome position (GRCh38, 1-based): chr16:90,036,427, A>G. VCF-style: chr16-90036427-A-G. GRCh37 (hg19) VCF-style: chr16-90102835-A-G.
Other names: c.348A>G, p.Glu116= (NM_001286205.2); c.21A>G, p.Glu7= (NM_001286208.2); c.522A>G, p.Glu174= (NM_001286209.2).
Identifiers: ClinVar variation 402891 (VCV000402891.18), dbSNP rs868045, ClinGen allele CA8257890.
Genomic context (GRCh38, chr16:90,036,427, plus strand): 5'-CTGCTGCCTTTCAGAAATTGAGGCCAAGTATGATAAGAAGATGAAGATGCTGAGGGACGA[A>G]CTCGACTTGCGGAGAAAGACTGAGCTCCACGAAGTGGAGGAGAGGAAGAATGGCCAGATC-3'
Protein context (NP_001472.1, residues 189-209): YDKKMKMLRD[Glu199=]LDLRRKTELH

ClinVar aggregate classification (germline): Benign. Review status: criteria provided, multiple submitters, no conflicts (2 of 4 stars). 6 submissions from 6 submitters: Benign (6). Last evaluated 2026-02-04.

Conditions:
Primary ciliary dyskinesia 33. Also called: CILIARY DYSKINESIA, PRIMARY, 33, WITHOUT SITUS INVERSUS. Identifiers: Orphanet 244, MedGen C4225230, MONDO:0014750, OMIM 616726.

Allele frequency attached by ClinVar (database versions not stated): 1000 Genomes Project 0.26438; 1000 Genomes Project 30x 0.27030; gnomAD exomes 0.32004 and 0.38633; ExAC 0.32401; gnomAD 0.35971 and 0.36742; TOPMed 0.36420; ESP Exome Variant Server 0.40405.
gnomAD v4.1: 617,958 of 1,611,578 alleles (38%); highest among the groups gnomAD compares: Non-Finnish European, 42%; 125,276 homozygotes.

Submissions (6):

Labcorp Genetics (formerly Invitae), Labcorp
Classification: Benign for Primary ciliary dyskinesia 33. Last evaluated: 2026-02-04. Review status: criteria provided, single submitter. Criteria: Invitae Variant Classification Sherloc (09022015). Collection method: clinical testing. Allele origin: germline.

Blueprint Genetics
Classification: Benign. Last evaluated: 2024-11-27. Review status: criteria provided, single submitter. Criteria: ACMG Guidelines, 2015. Collection method: clinical testing. Allele origin: germline.

Genome-Nilou Lab
Classification: Benign for Primary ciliary dyskinesia 33. Last evaluated: 2021-08-10. Review status: criteria provided, single submitter. Criteria: ACMG Guidelines, 2015. Collection method: clinical testing. Allele origin: germline. Affected: no.

GeneDx
Classification: Benign. Last evaluated: 2018-11-11. Review status: criteria provided, single submitter. Criteria: GeneDx Variant Classification Process June 2021. Collection method: clinical testing. Allele origin: germline. Affected: yes.

Laboratory for Molecular Medicine, Mass General Brigham Personalized Medicine
Classification: Benign. Last evaluated: 2016-03-28. Review status: criteria provided, single submitter. Criteria: LMM Criteria. Collection method: clinical testing. Allele origin: germline.
Comment: Variant identified in a genome or exome case(s) and assessed due to predicted null impact of the variant or pathogenic assertions in the literature or databases. Disclaimer: This variant has not undergone full assessment. The following are preliminary notes: Frequency

Breakthrough Genomics
Classification: Benign. Review status: criteria provided, single submitter. Criteria: ACMG Guidelines, 2015. Collection method: not provided. Allele origin: germline. Inheritance: Autosomal recessive inheritance. Affected: yes.